The following is an entry in ClinVar:

ClinVar aggregate classification (germline): Pathogenic. Review status: criteria provided, multiple submitters, no conflicts (2 of 4 stars). 6 submissions from 6 submitters: Pathogenic (6). Last evaluated 2026-06-08.

Conditions:
Neurodevelopmental delay. Identifiers: MedGen C4022738, HP:0012758.
Epilepsy. Also called: Seizure disorder. Identifiers: MedGen C0014544, MeSH D004827, MONDO:0005027.
Troyer syndrome (SPG20). Identifiers: Orphanet 101000, MedGen C0393559, MONDO:0010156, OMIM 275900.

Allele frequency attached by ClinVar (database versions not stated): TOPMed 0.00002; gnomAD 0.00003; 1000 Genomes Project 0.00020; 1000 Genomes Project 30x 0.00031.
gnomAD v4.1: 19 of 1,613,942 alleles (0.0012%); highest among the groups gnomAD compares: East Asian, 0.0022%; no homozygotes.

Submissions (6):

Cytogénomique, Hospices Civils de Lyon
Classification: Pathogenic for Epilepsy. Last evaluated: 2026-06-08. Review status: criteria provided, single submitter. Criteria: ACMG Guidelines, 2015. Collection method: clinical testing. Allele origin: germline. Affected: yes.

Labcorp Genetics (formerly Invitae), Labcorp
Classification: Pathogenic. Last evaluated: 2023-08-10. Review status: criteria provided, single submitter. Criteria: Invitae Variant Classification Sherloc (09022015). Collection method: clinical testing. Allele origin: germline.
Comment: For these reasons, this variant has been classified as Pathogenic. Algorithms developed to predict the effect of sequence changes on RNA splicing suggest that this variant may disrupt the consensus splice site. This sequence change creates a premature translational stop signal (p.Arg457*) in the SPART gene. It is expected to result in an absent or disrupted protein product. Loss-of-function variants in SPART are known to be pathogenic (PMID: 18413476, 20437587, 20504295). ClinVar contains an entry for this variant (Variation ID: 379832). This premature translational stop signal has been observed in individual(s) with spastic paraplegia (PMID: 28679690). The frequency data for this variant in the population databases is considered unreliable, as metrics indicate poor data quality at this position in the gnomAD database.

New York Genome Center
Classification: Pathogenic for Troyer syndrome. Last evaluated: 2021-05-28. Review status: criteria provided, single submitter. Criteria: NYGC Assertion Criteria 2020. Collection method: clinical testing. Allele origin: germline. Observed: 1 heterozygote. Study: CSER-NYCKidSeq.

CeGaT Center for Human Genetics Tuebingen
Classification: Pathogenic. Last evaluated: 2019-03-01. Review status: criteria provided, single submitter. Criteria: CeGaT Center For Human Genetics Tuebingen Variant Classification Criteria Version 2. Collection method: clinical testing. Allele origin: germline. Affected: yes. Observed: 1 variant allele.

GeneDx
Classification: Pathogenic. Last evaluated: 2015-06-09. Review status: criteria provided, single submitter. Criteria: GeneDx Variant Classification (06012015). Collection method: clinical testing. Allele origin: germline. Affected: yes.
Comment: The R457X variant in the SPG20 gene has not been reported previously as a pathogenic variant nor as a benign polymorphism, to our knowledge. This variant is predicted to cause loss of normal proteinfunction either through protein truncation or nonsense-mediated mRNA decay. The R457X variant wasnot observed in approximately 6500 individuals of European and African American ancestry in the NHLBIExome Sequencing Project, indicating it is not a common benign variant in these populations. We interpretR457X as a pathogenic variant.

Centre de Biologie Pathologie Génétique, Centre Hospitalier Universitaire de Lille
Classification: Pathogenic for Neurodevelopmental delay. Review status: criteria provided, single submitter. Criteria: ACMG Guidelines, 2015. Collection method: clinical testing. Allele origin: inherited. Affected: yes.

Literature cited by the submitters: PubMed 18413476 (cited by Labcorp Genetics (formerly Invitae), Labcorp); PubMed 20437587 (cited by Labcorp Genetics (formerly Invitae), Labcorp); PubMed 20504295 (cited by Labcorp Genetics (formerly Invitae), Labcorp); PubMed 28679690 (cited by Labcorp Genetics (formerly Invitae), Labcorp).

NM_015087.5(SPART):c.1369C>T (p.Arg457Ter)

Gene: SPART (spartin; minus strand). Cytogenetic location: 13q13.3.
Variant type: single nucleotide variant.
Coding change: c.1369C>T on transcript NM_015087.5 (MANE Select); coding-DNA position 1369, C replaced by T.
Protein change: p.Arg457Ter; replaces arginine 457 with a stop codon.
Molecular consequence: nonsense.
Genome position (GRCh38, 1-based): chr13:36,314,341, G>A on the plus strand (C>T on the coding strand, the complement: SPART is on the minus strand). VCF-style: chr13-36314341-G-A. GRCh37 (hg19) VCF-style: chr13-36888478-G-A.
Other names: c.1369C>T, p.Arg457Ter (NM_001142294.2, NM_001142295.2, NM_001142296.2); short protein forms R457*.
Identifiers: ClinVar variation 379832 (VCV000379832.50), dbSNP rs200373703, ClinGen allele CA6949410.